The following is an entry in ClinVar:

ClinVar aggregate classification (germline): Benign/Likely benign. Review status: criteria provided, multiple submitters, no conflicts (2 of 4 stars). 4 submissions from 4 submitters: Benign (1); Likely benign (2). 1 of the submissions does not count toward it. Last evaluated 2026-09-01.

Conditions:
WDR11-related disorder. Also called: WDR11-related condition.

Allele frequency attached by ClinVar (database versions not stated): 1000 Genomes Project 0.00040; 1000 Genomes Project 30x 0.00047; TOPMed 0.00151; gnomAD 0.00155 and 0.00161; gnomAD exomes 0.00159 and 0.00262; ExAC 0.00175; ESP Exome Variant Server 0.00192.
gnomAD v4.1: 4,025 of 1,614,170 alleles (0.25%); highest among the groups gnomAD compares: Non-Finnish European, 0.32%; 8 homozygotes.

Submissions (4):

CeGaT Center for Human Genetics Tuebingen
Classification: Benign. Last evaluated: 2026-09-01. Review status: criteria provided, single submitter. Criteria: CeGaT Center For Human Genetics Tuebingen Variant Classification Criteria Version 2. Collection method: clinical testing. Allele origin: germline. Affected: yes. Observed: 9 variant alleles.
Comment: WDR11: BS1, BS2

Labcorp Genetics (formerly Invitae), Labcorp
Classification: Likely benign. Last evaluated: 2025-11-24. Review status: criteria provided, single submitter. Criteria: Invitae Variant Classification Sherloc (09022015). Collection method: clinical testing. Allele origin: germline.

GeneDx
Classification: Likely benign. Last evaluated: 2020-08-10. Review status: criteria provided, single submitter. Criteria: GeneDx Variant Classification Process June 2021. Collection method: clinical testing. Allele origin: germline. Affected: yes.
Comment: In silico analysis supports that this missense variant does not alter protein structure/function

PreventionGenetics, part of Exact Sciences
Classification: Likely benign for WDR11-related condition. Last evaluated: 2019-06-10. Review status: no assertion criteria provided. Collection method: clinical testing. Allele origin: germline. Not counted in ClinVar's aggregate classification.
Comment: This variant is classified as likely benign based on ACMG/AMP sequence variant interpretation guidelines (Richards et al. 2015 PMID: 25741868, with internal and published modifications).

NM_018117.12(WDR11):c.1066G>A (p.Val356Ile)

Gene: WDR11 (WD repeat domain 11; plus strand). Cytogenetic location: 10q26.12.
Variant type: single nucleotide variant.
Coding change: c.1066G>A on transcript NM_018117.12 (MANE Select); coding-DNA position 1066, G replaced by A.
Protein change: p.Val356Ile; replaces valine 356 with isoleucine.
Molecular consequence: missense variant.
Genome position (GRCh38, 1-based): chr10:120,866,640, G>A. VCF-style: chr10-120866640-G-A. GRCh37 (hg19) VCF-style: chr10-122626152-G-A.
Other names: short protein forms V356I.
Identifiers: ClinVar variation 695236 (VCV000695236.36), dbSNP rs34304988, ClinGen allele CA5719615.